The following is an entry in ClinVar:

NM_022124.6(CDH23):c.3730G>A (p.Val1244Met)

Genes: C10orf105 (chromosome 10 open reading frame 105; minus strand), CDH23 (cadherin related 23; plus strand). Cytogenetic location: 10q22.1.
Variant type: single nucleotide variant.
Coding change: c.3730G>A on transcript NM_022124.6 (MANE Select); coding-DNA position 3730, G replaced by A.
Protein change: p.Val1244Met; replaces valine 1244 with methionine.
Molecular consequence: missense variant. On other transcripts: intron variant (1).
Genome position (GRCh38, 1-based): chr10:71,732,001, G>A. VCF-style: chr10-71732001-G-A. GRCh37 (hg19) VCF-style: chr10-73491758-G-A.
Other names: c.3730G>A, p.Val1244Met (NM_001171930.2); c.-6+5727C>T (NM_001168390.2); short protein forms V1244M.
Identifiers: ClinVar variation 964112 (VCV000964112.8), dbSNP rs1478583640, ClinGen allele CA5544836.

ClinVar aggregate classification (germline): Uncertain significance. Review status: criteria provided, single submitter (1 of 4 stars). 2 submissions from 2 submitters: Uncertain significance (1). 1 of the submissions does not count toward it. Last evaluated 2021-08-30.

Conditions:
Usher syndrome type 1 (USH1). Also called: RETINITIS PIGMENTOSA AND CONGENITAL DEAFNESS. Identifiers: Orphanet 231169, Orphanet 886, MedGen C1568247, MONDO:0010168, OMIM 276900.

Allele frequency attached by ClinVar (database versions not stated): gnomAD exomes 0.00001; ExAC 0.00001; gnomAD 0.00002; TOPMed 0.00003.
gnomAD v4.1: 11 of 1,613,544 alleles (0.00068%); highest among the groups gnomAD compares: African/African-American, 0.0027%; no homozygotes.

Submissions (2):

Labcorp Genetics (formerly Invitae), Labcorp
Classification: Uncertain significance. Last evaluated: 2021-08-30. Review status: criteria provided, single submitter. Criteria: Invitae Variant Classification Sherloc (09022015). Collection method: clinical testing. Allele origin: germline.
Comment: This sequence change replaces valine with methionine at codon 1244 of the CDH23 protein (p.Val1244Met). The valine residue is highly conserved and there is a small physicochemical difference between valine and methionine. This variant is present in population databases (no rsID available, ExAC 0.002%). This variant has not been reported in the literature in individuals affected with CDH23-related conditions. Algorithms developed to predict the effect of missense changes on protein structure and function are either unavailable or do not agree on the potential impact of this missense change (SIFT: "Deleterious"; PolyPhen-2: "Not Available"; Align-GVGD: "Class C15"). In summary, the available evidence is currently insufficient to determine the role of this variant in disease. Therefore, it has been classified as a Variant of Uncertain Significance.

Natera, Inc.
Classification: Uncertain significance for Usher syndrome type 1. Last evaluated: 2021-04-12. Review status: no assertion criteria provided. Collection method: clinical testing. Allele origin: germline. Not counted in ClinVar's aggregate classification.